The following is an entry in ClinVar:

NM_013940.4(OR10H1):c.348C>G (p.Thr116=)

Gene: OR10H1 (olfactory receptor family 10 subfamily H member 1; minus strand). Cytogenetic location: 19p13.12.
Variant type: single nucleotide variant.
Coding change: c.348C>G on transcript NM_013940.4 (MANE Select); coding-DNA position 348, C replaced by G.
Protein change: p.Thr116=; no amino-acid change (threonine 116 retained).
Molecular consequence: synonymous variant.
Genome position (GRCh38, 1-based): chr19:15,807,690, G>C on the plus strand (C>G on the coding strand, the complement: OR10H1 is on the minus strand). VCF-style: chr19-15807690-G-C. GRCh37 (hg19) VCF-style: chr19-15918500-G-C.
Identifiers: ClinVar variation 718320 (VCV000718320.28), dbSNP rs148327766, ClinGen allele CA9273423.

ClinVar aggregate classification (germline): Benign/Likely benign. Review status: criteria provided, multiple submitters, no conflicts (2 of 4 stars). 3 submissions from 3 submitters: Benign (2); Likely benign (1). Last evaluated 2022-08-01.

Allele frequency attached by ClinVar (database versions not stated): 1000 Genomes Project 0.00060; 1000 Genomes Project 30x 0.00078.

Submissions (3):

CeGaT Center for Human Genetics Tuebingen
Classification: Likely benign. Last evaluated: 2022-08-01. Review status: criteria provided, single submitter. Criteria: CeGaT Center For Human Genetics Tuebingen Variant Classification Criteria Version 2. Collection method: clinical testing. Allele origin: germline. Affected: yes. Observed: 1 variant allele.
Comment: OR10H1: BP4, BP7

Labcorp Genetics (formerly Invitae), Labcorp
Classification: Benign. Last evaluated: 2019-01-10. Review status: criteria provided, single submitter. Criteria: Invitae Variant Classification Sherloc (09022015). Collection method: clinical testing. Allele origin: germline.

Breakthrough Genomics
Classification: Benign. Review status: criteria provided, single submitter. Criteria: ACMG Guidelines, 2015. Collection method: not provided. Allele origin: germline. Inheritance: Unknown mechanism. Affected: yes.